The following is an entry in ClinVar:

NM_003737.4(DCHS1):c.5429T>C (p.Met1810Thr)

Gene: DCHS1 (dachsous cadherin-related 1; minus strand). Cytogenetic location: 11p15.4.
Variant type: single nucleotide variant.
Coding change: c.5429T>C on transcript NM_003737.4 (MANE Select); coding-DNA position 5429, T replaced by C.
Protein change: p.Met1810Thr; replaces methionine 1810 with threonine.
Molecular consequence: missense variant.
Genome position (GRCh38, 1-based): chr11:6,627,610, A>G on the plus strand (T>C on the coding strand, the complement: DCHS1 is on the minus strand). VCF-style: chr11-6627610-A-G. GRCh37 (hg19) VCF-style: chr11-6648841-A-G.
Other names: short protein forms M1810T.
Identifiers: ClinVar variation 4741867 (VCV004741867.1).

ClinVar aggregate classification (germline): Uncertain significance (1 of 4 stars; one submission).

Submission:

Labcorp Genetics (formerly Invitae), Labcorp
Classification: Uncertain significance. Last evaluated: 2025-10-21. Review status: criteria provided, single submitter. Criteria: Invitae Variant Classification Sherloc (09022015). Collection method: clinical testing. Allele origin: germline.
Comment: This sequence change replaces methionine, which is neutral and non-polar, with threonine, which is neutral and polar, at codon 1810 of the DCHS1 protein (p.Met1810Thr). This variant is not present in population databases (gnomAD no frequency). This variant has not been reported in the literature in individuals affected with DCHS1-related conditions. Invitae Evidence Modeling of protein sequence and biophysical properties (such as structural, functional, and spatial information, amino acid conservation, physicochemical variation, residue mobility, and thermodynamic stability) indicates that this missense variant is not expected to disrupt DCHS1 protein function with a negative predictive value of 80%. In summary, the available evidence is currently insufficient to determine the role of this variant in disease. Therefore, it has been classified as a Variant of Uncertain Significance.